The following is an entry in ClinVar:

NM_021828.5(HPSE2):c.1516C>T (p.Arg506Ter)

Gene: HPSE2 (heparanase 2 (inactive); minus strand). Cytogenetic location: 10q24.2.
Variant type: single nucleotide variant.
Coding change: c.1516C>T on transcript NM_021828.5 (MANE Select); coding-DNA position 1516, C replaced by T.
Protein change: p.Arg506Ter; replaces arginine 506 with a stop codon.
Molecular consequence: nonsense.
Genome position (GRCh38, 1-based): chr10:98,482,733, G>A on the plus strand (C>T on the coding strand, the complement: HPSE2 is on the minus strand). VCF-style: chr10-98482733-G-A. GRCh37 (hg19) VCF-style: chr10-100242490-G-A.
Other names: c.1342C>T, p.Arg448Ter (NM_001166244.1); c.1180C>T, p.Arg394Ter (NM_001166245.1); c.1516C>T, p.Arg506Ter (NM_001166246.1); short protein forms R506*, R394*, R448*.
Identifiers: ClinVar variation 83 (VCV000000083.16), dbSNP rs267606866, ClinGen allele CA339789.

ClinVar aggregate classification (germline): Pathogenic/Likely pathogenic. Review status: criteria provided, multiple submitters, no conflicts (2 of 4 stars). 4 submissions from 4 submitters: Pathogenic (1); Likely pathogenic (1). 2 of the submissions do not count toward it. Last evaluated 2023-01-25.

Conditions:
Urofacial syndrome type 1. Also called: HPSE2-Related Urofacial Syndrome. Identifiers: Orphanet 2704, MedGen CN033872, MONDO:0009368, OMIM 236730.

Allele frequency attached by ClinVar (database versions not stated): TOPMed below 0.00001; gnomAD 0.00001; gnomAD exomes 0.00001 and 0.00002; ExAC 0.00002.
gnomAD v4.1: 20 of 1,613,974 alleles (0.0012%); highest among the groups gnomAD compares: East Asian, 0.011%; no homozygotes.

Submissions (4):

Labcorp Genetics (formerly Invitae), Labcorp
Classification: Pathogenic. Last evaluated: 2023-01-25. Review status: criteria provided, single submitter. Criteria: Invitae Variant Classification Sherloc (09022015). Collection method: clinical testing. Allele origin: germline.
Comment: For these reasons, this variant has been classified as Pathogenic. Algorithms developed to predict the effect of sequence changes on RNA splicing suggest that this variant may disrupt the consensus splice site. ClinVar contains an entry for this variant (Variation ID: 83). This premature translational stop signal has been observed in individual(s) with urofacial syndrome (PMID: 20560209). This variant is present in population databases (rs267606866, gnomAD 0.003%). This sequence change creates a premature translational stop signal (p.Arg506*) in the HPSE2 gene. It is expected to result in an absent or disrupted protein product. Loss-of-function variants in HPSE2 are known to be pathogenic (PMID: 20560210, 25510506).

Eurofins-Biomnis
Classification: Likely pathogenic for Urofacial syndrome type 1. Last evaluated: 2022-12-13. Review status: criteria provided, single submitter. Criteria: Accession Criteria ClinVar Biomnis. Collection method: clinical testing. Allele origin: maternal. Affected: yes. Observed: 1 heterozygote.

OMIM
Classification: Pathogenic for UROFACIAL SYNDROME 1. Last evaluated: 2010-06-11. Review status: no assertion criteria provided. Collection method: literature only. Allele origin: germline. Not counted in ClinVar's aggregate classification.

GeneReviews
No classification provided. Condition: Urofacial syndrome type 1. Review status: no classification provided. Collection method: literature only. Allele origin: germline. Not counted in ClinVar's aggregate classification.

Literature cited by the submitters: PubMed 20560209 (cited by 3 submitters); PubMed 20560210 (cited by Labcorp Genetics (formerly Invitae), Labcorp); PubMed 25510506 (cited by Labcorp Genetics (formerly Invitae), Labcorp).